The following is an entry in ClinVar:

NM_000742.4(CHRNA2):c.809T>C (p.Ile270Thr)

Gene: CHRNA2 (cholinergic receptor nicotinic alpha 2 subunit; minus strand). Cytogenetic location: 8p21.2.
Variant type: single nucleotide variant.
Coding change: c.809T>C on transcript NM_000742.4 (MANE Select); coding-DNA position 809, T replaced by C.
Protein change: p.Ile270Thr; replaces isoleucine 270 with threonine.
Molecular consequence: missense variant.
Genome position (GRCh38, 1-based): chr8:27,463,634, A>G on the plus strand (T>C on the coding strand, the complement: CHRNA2 is on the minus strand). VCF-style: chr8-27463634-A-G. GRCh37 (hg19) VCF-style: chr8-27321151-A-G.
Other names: c.764T>C, p.Ile255Thr (NM_001282455.2); c.332T>C, p.Ile111Thr (NM_001347705.2, NM_001347706.2); c.215T>C, p.Ile72Thr (NM_001347707.2, NM_001347708.2); short protein forms I255T, I72T, I270T, I111T.
Identifiers: ClinVar variation 1493066 (VCV001493066.6), dbSNP rs2132653089, ClinGen allele CA370810637.

ClinVar aggregate classification (germline): Uncertain significance (1 of 4 stars; one submission).

Conditions:
Familial sleep-related hypermotor epilepsy. Also called: Autosomal Dominant Sleep-Related Hypermotor (Hyperkinetic) Epilepsy. Identifiers: Orphanet 98784, MedGen C3696898, MONDO:0000030.

Submission:

Labcorp Genetics (formerly Invitae), Labcorp
Classification: Uncertain significance. Last evaluated: 2021-12-13. Review status: criteria provided, single submitter. Criteria: Invitae Variant Classification Sherloc (09022015). Collection method: clinical testing. Allele origin: germline.
Comment: This sequence change replaces isoleucine, which is neutral and non-polar, with threonine, which is neutral and polar, at codon 270 of the CHRNA2 protein (p.Ile270Thr). This variant is not present in population databases (gnomAD no frequency). In summary, the available evidence is currently insufficient to determine the role of this variant in disease. Therefore, it has been classified as a Variant of Uncertain Significance. Advanced modeling of protein sequence and biophysical properties (such as structural, functional, and spatial information, amino acid conservation, physicochemical variation, residue mobility, and thermodynamic stability) performed at Invitae indicates that this missense variant is not expected to disrupt CHRNA2 protein function. This variant has not been reported in the literature in individuals affected with CHRNA2-related conditions.